The following is an entry in ClinVar:

ClinVar aggregate classification (germline): Uncertain significance (1 of 4 stars; one submission).

Submission:

GeneDx
Classification: Uncertain significance. Last evaluated: 2024-12-26. Review status: criteria provided, single submitter. Criteria: GeneDx Variant Classification Process June 2021. Collection method: clinical testing. Allele origin: germline. Affected: yes.
Comment: Not observed at significant frequency in large population cohorts (gnomAD); In silico analysis supports that this missense variant has a deleterious effect on protein structure/function; Has not been previously published as pathogenic or benign to our knowledge

NM_002472.3(MYH8):c.2242C>T (p.Leu748Phe)

Genes: MYH8 (myosin heavy chain 8; minus strand), MYHAS (myosin heavy chain gene cluster antisense RNA; plus strand). Cytogenetic location: 17p13.1.
Variant type: single nucleotide variant.
Coding change: c.2242C>T on transcript NM_002472.3 (MANE Select); coding-DNA position 2242, C replaced by T.
Protein change: p.Leu748Phe; replaces leucine 748 with phenylalanine.
Molecular consequence: missense variant.
Genome position (GRCh38, 1-based): chr17:10,406,327, G>A on the plus strand (C>T on the coding strand, the complement: MYH8 is on the minus strand). VCF-style: chr17-10406327-G-A. GRCh37 (hg19) VCF-style: chr17-10309644-G-A.
Other names: short protein forms L748F.
Identifiers: ClinVar variation 3907758 (VCV003907758.1).